The following is an entry in ClinVar:

NM_001271.4(CHD2):c.5153+70T>C

Gene: CHD2 (chromodomain helicase DNA binding protein 2; plus strand). Cytogenetic location: 15q26.1.
Variant type: single nucleotide variant.
Coding change: c.5153+70T>C on transcript NM_001271.4 (MANE Select); 70 bases into the intron after coding-DNA position 5153, T replaced by C.
Molecular consequence: intron variant.
Genome position (GRCh38, 1-based): chr15:93,020,328, T>C. VCF-style: chr15-93020328-T-C. GRCh37 (hg19) VCF-style: chr15-93563558-T-C.
Identifiers: ClinVar variation 1236750 (VCV001236750.33), dbSNP rs185298961, ClinGen allele CA7748676.

ClinVar aggregate classification (germline): Benign. Review status: criteria provided, multiple submitters, no conflicts (2 of 4 stars). 2 submissions from 2 submitters: Benign (2). Last evaluated 2026-08-01.

Allele frequency attached by ClinVar (database versions not stated): 1000 Genomes Project 0.00080; 1000 Genomes Project 30x 0.00109; TOPMed 0.00204; ESP Exome Variant Server 0.00220; gnomAD 0.00279 and 0.00290; gnomAD exomes 0.00350 and 0.00460; ExAC 0.00490.
gnomAD v4.1: 6,846 of 1,567,242 alleles (0.44%); highest among the groups gnomAD compares: Non-Finnish European, 0.53%; 26 homozygotes.

Submissions (2):

CeGaT Center for Human Genetics Tuebingen
Classification: Benign. Last evaluated: 2026-08-01. Review status: criteria provided, single submitter. Criteria: CeGaT Center For Human Genetics Tuebingen Variant Classification Criteria Version 2. Collection method: clinical testing. Allele origin: germline. Affected: yes. Observed: 25 variant alleles.
Comment: CHD2: BS1, BS2

GeneDx
Classification: Benign. Last evaluated: 2020-06-28. Review status: criteria provided, single submitter. Criteria: GeneDx Variant Classification Process June 2021. Collection method: clinical testing. Allele origin: germline. Affected: yes.